The following is an entry in ClinVar:

ClinVar aggregate classification (germline): Conflicting classifications of pathogenicity. Review status: criteria provided, conflicting classifications (1 of 4 stars). 2 submissions from 2 submitters: Uncertain significance (1); Likely benign (1). Last evaluated 2025-04-09.

Conditions:
Cardiovascular phenotype. Identifiers: MedGen CN230736.

gnomAD v4.1: 5 of 1,515,534 alleles (0.00033%); highest among the groups gnomAD compares: South Asian, 0.0049%; no homozygotes.

Submissions (2):

Ambry Genetics
Classification: Likely benign for Cardiovascular phenotype. Last evaluated: 2025-04-09. Review status: criteria provided, single submitter. Criteria: Ambry Variant Classification Scheme 2023. Collection method: clinical testing. Allele origin: germline.

Labcorp Genetics (formerly Invitae), Labcorp
Classification: Uncertain significance. Last evaluated: 2023-07-14. Review status: criteria provided, single submitter. Criteria: Invitae Variant Classification Sherloc (09022015). Collection method: clinical testing. Allele origin: germline.
Comment: This variant is present in population databases (no rsID available, gnomAD 0.005%). In summary, the available evidence is currently insufficient to determine the role of this variant in disease. Therefore, it has been classified as a Variant of Uncertain Significance. An algorithm developed to predict the effect of missense changes on protein structure and function (PolyPhen-2) suggests that this variant is likely to be disruptive. This variant has not been reported in the literature in individuals affected with ZNF469-related conditions. This sequence change replaces arginine, which is basic and polar, with serine, which is neutral and polar, at codon 947 of the ZNF469 protein (p.Arg947Ser).

NM_001367624.2(ZNF469):c.2841G>C (p.Arg947Ser)

Gene: ZNF469 (zinc finger protein 469; plus strand). Cytogenetic location: 16q24.2.
Variant type: single nucleotide variant.
Coding change: c.2841G>C on transcript NM_001367624.2 (MANE Select); coding-DNA position 2841, G replaced by C.
Protein change: p.Arg947Ser; replaces arginine 947 with serine.
Molecular consequence: missense variant.
Genome position (GRCh38, 1-based): chr16:88,430,311, G>C. VCF-style: chr16-88430311-G-C. GRCh37 (hg19) VCF-style: chr16-88496719-G-C.
Other names: NM_001127464.1:c.2841G>C; short protein forms R947S.
Identifiers: ClinVar variation 2915721 (VCV002915721.3), dbSNP rs150435442, ClinGen allele CA286374223.